The following is an entry in ClinVar:

NM_000548.5(TSC2):c.4089C>T (p.Val1363=)

Gene: TSC2 (TSC complex subunit 2; plus strand). Cytogenetic location: 16p13.3.
Variant type: single nucleotide variant.
Coding change: c.4089C>T on transcript NM_000548.5 (MANE Select); coding-DNA position 4089, C replaced by T.
Protein change: p.Val1363=; no amino-acid change (valine 1363 retained).
Molecular consequence: synonymous variant.
Genome position (GRCh38, 1-based): chr16:2,084,311, C>T. VCF-style: chr16-2084311-C-T. GRCh37 (hg19) VCF-style: chr16-2134312-C-T.
Other names: c.3888C>T, p.Val1296= (NM_001077183.3); c.4020C>T, p.Val1340= (NM_001114382.3); c.3780C>T, p.Val1260= (NM_001318827.2); c.3744C>T, p.Val1248= (NM_001318829.2); c.3357C>T, p.Val1119= (NM_001318831.2); c.3921C>T, p.Val1307= (NM_001318832.2); c.3891C>T, p.Val1297= (NM_001363528.2); c.3957C>T, p.Val1319= (NM_001370404.1); and 1 more.
Identifiers: ClinVar variation 486674 (VCV000486674.19), dbSNP rs1036544111, ClinGen allele CA276753264.

ClinVar aggregate classification (germline): Benign/Likely benign. Review status: criteria provided, multiple submitters, no conflicts (2 of 4 stars). 4 submissions from 4 submitters: Benign (2); Likely benign (2). Last evaluated 2025-06-02.

Conditions:
Tuberous sclerosis 2 (TSC2). Identifiers: Orphanet 805, MedGen C1860707, MONDO:0013199, OMIM 613254.
Hereditary cancer-predisposing syndrome. Also called: Tumor predisposition; Neoplastic Syndromes, Hereditary; Hereditary Cancer Syndrome; Hereditary neoplastic syndrome. Identifiers: Orphanet 140162, MedGen C0027672, MeSH D009386, MONDO:0015356.

Allele frequency attached by ClinVar (database versions not stated): TOPMed 0.00001.
gnomAD v4.1: 1 of 1,612,740 alleles (0.000062%); no homozygotes.

Submissions (4):

Myriad Genetics, Inc.
Classification: Benign for Tuberous sclerosis 2. Last evaluated: 2025-06-02. Review status: criteria provided, single submitter. Criteria: Myriad Autosomal Dominant, Autosomal Recessive and X-Linked Classification Criteria (2023). Collection method: clinical testing. Allele origin: unknown.
Comment: This variant is considered benign. This variant is a silent/synonymous amino acid change and it is not expected to impact splicing.

Labcorp Genetics (formerly Invitae), Labcorp
Classification: Likely benign for Tuberous sclerosis 2. Last evaluated: 2023-09-12. Review status: criteria provided, single submitter. Criteria: Invitae Variant Classification Sherloc (09022015). Collection method: clinical testing. Allele origin: germline.

Genome-Nilou Lab
Classification: Benign for Tuberous sclerosis 2. Last evaluated: 2021-11-07. Review status: criteria provided, single submitter. Criteria: ACMG Guidelines, 2015. Collection method: clinical testing. Allele origin: germline. Affected: no.

Ambry Genetics
Classification: Likely benign for Hereditary cancer-predisposing syndrome. Last evaluated: 2017-06-22. Review status: criteria provided, single submitter. Criteria: Ambry Variant Classification Scheme 2023. Collection method: clinical testing. Allele origin: germline.